The following is an entry in ClinVar:

NM_032043.3(BRIP1):c.1901A>C (p.Gln634Pro)

Gene: BRIP1 (BRCA1 interacting DNA helicase 1; minus strand). Cytogenetic location: 17q23.2.
Variant type: single nucleotide variant.
Coding change: c.1901A>C on transcript NM_032043.3 (MANE Select); coding-DNA position 1901, A replaced by C.
Protein change: p.Gln634Pro; replaces glutamine 634 with proline.
Molecular consequence: missense variant.
Genome position (GRCh38, 1-based): chr17:61,780,295, T>G on the plus strand (A>C on the coding strand, the complement: BRIP1 is on the minus strand). VCF-style: chr17-61780295-T-G. GRCh37 (hg19) VCF-style: chr17-59857656-T-G.
Other names: short protein forms Q634P.
Identifiers: ClinVar variation 3482470 (VCV003482470.1).

ClinVar aggregate classification (germline): Uncertain significance (1 of 4 stars; one submission).

Conditions:
Hereditary cancer-predisposing syndrome. Also called: Tumor predisposition; Neoplastic Syndromes, Hereditary; Hereditary Cancer Syndrome; Hereditary neoplastic syndrome. Identifiers: Orphanet 140162, MedGen C0027672, MeSH D009386, MONDO:0015356.

Submission:

Ambry Genetics
Classification: Uncertain significance for Hereditary cancer-predisposing syndrome. Last evaluated: 2024-11-02. Review status: criteria provided, single submitter. Criteria: Ambry Variant Classification Scheme 2023. Collection method: clinical testing. Allele origin: germline.
Comment: The p.Q634P variant (also known as c.1901A>C), located in coding exon 12 of the BRIP1 gene, results from an A to C substitution at nucleotide position 1901. The glutamine at codon 634 is replaced by proline, an amino acid with similar properties. This amino acid position is conserved. In addition, the in silico prediction for this alteration is inconclusive. Based on the available evidence, the clinical significance of this variant remains unclear.